The following is an entry in ClinVar:

NM_000487.6(ARSA):c.1384C>T (p.Gln462Ter)

Gene: ARSA (arylsulfatase A; minus strand). Cytogenetic location: 22q13.33.
Variant type: single nucleotide variant.
Coding change: c.1384C>T on transcript NM_000487.6 (MANE Select); coding-DNA position 1384, C replaced by T.
Protein change: p.Gln462Ter; replaces glutamine 462 with a stop codon.
Molecular consequence: nonsense.
Genome position (GRCh38, 1-based): chr22:50,625,291, G>A on the plus strand (C>T on the coding strand, the complement: ARSA is on the minus strand). VCF-style: chr22-50625291-G-A. GRCh37 (hg19) VCF-style: chr22-51063719-G-A.
Other names: c.1384C>T, p.Gln462Ter (NM_001085425.3, NM_001085426.3, NM_001085427.3); c.1126C>T, p.Gln376Ter (NM_001085428.3, NM_001362782.2); short protein forms Q376*, Q462*.
Identifiers: ClinVar variation 4818442 (VCV004818442.2).

ClinVar aggregate classification (germline): Conflicting classifications of pathogenicity. Review status: criteria provided, conflicting classifications (1 of 4 stars). 2 submissions from 2 submitters: Likely pathogenic (1); Uncertain significance (1). Last evaluated 2025-07-22.

Conditions:
Metachromatic leukodystrophy (MLD). Also called: Arylsulfatase A Deficiency; SULFATIDE LIPIDOSIS; Cerebral sclerosis diffuse metachromatic form; ARSA DEFICIENCY; CEREBROSIDE SULFATASE DEFICIENCY; METACHROMATIC LEUKOENCEPHALOPATHY. Identifiers: Orphanet 512, MedGen C0023522, MONDO:0018868, OMIM 250100.

Submissions (2):

Myriad Genetics, Inc.
Classification: Uncertain significance for Metachromatic leukodystrophy. Last evaluated: 2025-07-22. Review status: criteria provided, single submitter. Criteria: Myriad Autosomal Dominant, Autosomal Recessive and X-Linked Classification Criteria (2023). Collection method: clinical testing. Allele origin: unknown.
Comment: NM_000487.5(ARSA):c.1384C>T(Q462*) is a nonsense variant classified as a variant of uncertain significance in the context of metachromatic leukodystrophy. Q462* has not been observed in cases with relevant disease. Relevant functional assessments of this variant are not available in the literature. Q462* has been observed in referenced population frequency databases. In summary, there is insufficient evidence to classify NM_000487.5(ARSA):c.1384C>T(Q462*) as pathogenic or benign. Please note: this variant was assessed in the context of healthy population screening.

Natera, Inc.
Classification: Likely pathogenic for Metachromatic leukodystrophy. Last evaluated: 2025-02-13. Review status: criteria provided, single submitter. Criteria: Natera Variant Classification Schema (03/2026). Collection method: clinical testing. Allele origin: germline.
Comment: The c.1384C>T variant in ARSA is a nonsense variant predicted to introduce a stop codon at amino acid 462. This variant is expected to result in nonsense mediated decay, truncation, or a dysfunctional protein product. This variant is rare in the general population with a frequency below the threshold expected for the associated phenotype(s). Given the available evidence, this variant is classified as Likely Pathogenic.